The following is an entry in ClinVar:

ClinVar aggregate classification (germline): Conflicting classifications of pathogenicity. Review status: criteria provided, conflicting classifications (1 of 4 stars). 12 submissions from 8 submitters: Uncertain significance (6); Benign (1); Likely benign (3). 2 of the submissions do not count toward it. Last evaluated 2026-06-15.

Conditions:
Autosomal recessive limb-girdle muscular dystrophy type 2J (LGMDR10). Also called: Limb-girdle muscular dystrophy, type 2J; MUSCULAR DYSTROPHY, LIMB-GIRDLE, AUTOSOMAL RECESSIVE 10. Identifiers: Orphanet 140922, MedGen C1837342, MONDO:0012127, OMIM 608807.
Dilated cardiomyopathy 1G (CMD1G). Identifiers: Orphanet 154, MedGen C1858763, MONDO:0011400, OMIM 604145.
Tibial muscular dystrophy (TMD). Also called: Tibial muscular dystrophy, tardive; UDD MYOPATHY; Udd Distal Myopathy – Tibial Muscular Dystrophy. Identifiers: Orphanet 609, MedGen C1838244, MONDO:0010870, OMIM 600334.
Early-onset myopathy with fatal cardiomyopathy (CMYO5). Also called: Salih Myopathy; CONGENITAL MYOPATHY 5 WITH CARDIOMYOPATHY. Identifiers: Orphanet 289377, MedGen C2673677, MONDO:0012714, OMIM 611705. Disease mechanism: loss of function.
Myopathy, myofibrillar, 9, with early respiratory failure (MFM9). Also called: MYOPATHY, PROXIMAL, WITH EARLY RESPIRATORY MUSCLE INVOLVEMENT; Hereditary myopathy with early respiratory failure; EDSTROM MYOPATHY; Myopathy, distal, with early respiratory failure, autosomal dominant. Identifiers: Orphanet 178464, Orphanet 34521, MedGen C1863599, MONDO:0011362, OMIM 603689.

Allele frequency attached by ClinVar (database versions not stated): gnomAD exomes 0.00003 and 0.00010; ExAC 0.00005; gnomAD 0.00012 and 0.00013; TOPMed 0.00022.
gnomAD v4.1: 72 of 1,611,686 alleles (0.0045%); highest among the groups gnomAD compares: Admixed American, 0.079%; no homozygotes.

Submissions (12):

Women's Health and Genetics/Laboratory Corporation of America, LabCorp
Classification: Likely benign. Last evaluated: 2026-06-15. Review status: criteria provided, single submitter. Criteria: LabCorp Variant Classification Summary - May 2015. Collection method: clinical testing. Allele origin: germline.
Comment: Variant summary: TTN c.73453T>A (p.Tyr24485Asn) results in a non-conservative amino acid change in the encoded protein sequence. Algorithms developed to predict the effect of missense changes on protein structure and function are either unavailable or do not agree on the potential impact of this missense change. The variant allele was found at a frequency of 9.7e-05 in 246948 control chromosomes, predominantly at a frequency of 0.00067 within the Latino subpopulation in the gnomAD database. The observed variant frequency within Latino control individuals in the gnomAD database exceeds the estimated maximal expected allele frequency for disease-causing variants in TTN. c.73453T>A has been observed in an individual affected with hypertrophic cardiomyopathy (Sezginer Guler_2025) and in a case of sudden unexplained death (Campuzano_2015). However, these reports do not provide unequivocal conclusions about association of the variant with disease. To our knowledge, no experimental evidence demonstrating an impact on protein function has been reported. The following publications have been ascertained in the context of this evaluation (PMID: 26516846, 40475167). ClinVar contains an entry for this variant (Variation ID: 404998). Based on the evidence outlined above, the variant was classified as likely benign.

Molecular Diagnostic Laboratory for Inherited Cardiovascular Disease, Montreal Heart Institute
Classification: Likely benign. Last evaluated: 2025-04-09. Review status: criteria provided, single submitter. Criteria: ACMG Guidelines, 2015. Collection method: clinical testing. Allele origin: germline. Affected: no.
Comment: BS1;BP1

Blueprint Genetics
Classification: Uncertain significance. Last evaluated: 2023-03-29. Review status: criteria provided, single submitter. Criteria: ACMG Guidelines, 2015. Collection method: clinical testing. Allele origin: germline.

Illumina Laboratory Services, Illumina
Classification: Uncertain significance for Autosomal recessive limb-girdle muscular dystrophy type 2J. Last evaluated: 2018-01-13. Review status: criteria provided, single submitter. Criteria: ICSL Variant Classification Criteria 13 December 2019. Collection method: clinical testing. Allele origin: germline.

Illumina Laboratory Services, Illumina
Classification: Benign for Tibial muscular dystrophy. Last evaluated: 2018-01-13. Review status: criteria provided, single submitter. Criteria: ICSL Variant Classification Criteria 13 December 2019. Collection method: clinical testing. Allele origin: germline.
Comment: This variant was observed in the ICSL laboratory as part of a predisposition screen in an ostensibly healthy population. It had not been previously curated by ICSL or reported in the Human Gene Mutation Database (HGMD: prior to June 1st, 2018), and was therefore a candidate for classification through an automated scoring system. Utilizing variant allele frequency, disease prevalence and penetrance estimates, and inheritance mode, an automated score was calculated to assess if this variant is too frequent to cause the disease. Based on the score and internal cut-off values, a variant classified as benign is not then subjected to further curation. The score for this variant resulted in a classification of benign for this disease.

Illumina Laboratory Services, Illumina
Classification: Uncertain significance for Dilated cardiomyopathy 1G. Last evaluated: 2018-01-13. Review status: criteria provided, single submitter. Criteria: ICSL Variant Classification Criteria 13 December 2019. Collection method: clinical testing. Allele origin: germline.

Illumina Laboratory Services, Illumina
Classification: Likely benign for Myopathy, myofibrillar, 9, with early respiratory failure. Last evaluated: 2018-01-13. Review status: criteria provided, single submitter. Criteria: ICSL Variant Classification Criteria 13 December 2019. Collection method: clinical testing. Allele origin: germline.
Comment: This variant was observed in the ICSL laboratory as part of a predisposition screen in an ostensibly healthy population. It had not been previously curated by ICSL or reported in the Human Gene Mutation Database (HGMD: prior to June 1st, 2018), and was therefore a candidate for classification through an automated scoring system. Utilizing variant allele frequency, disease prevalence and penetrance estimates, and inheritance mode, an automated score was calculated to assess if this variant is too frequent to cause the disease. Based on the score and internal cut-off values, a variant classified as likely benign is not then subjected to further curation. The score for this variant resulted in a classification of likely benign for this disease.

Illumina Laboratory Services, Illumina
Classification: Uncertain significance for Early-onset myopathy with fatal cardiomyopathy. Last evaluated: 2018-01-13. Review status: criteria provided, single submitter. Criteria: ICSL Variant Classification Criteria 13 December 2019. Collection method: clinical testing. Allele origin: germline.

Labcorp Genetics (formerly Invitae), Labcorp
Classification: Uncertain significance for Dilated cardiomyopathy 1G; Autosomal recessive limb-girdle muscular dystrophy type 2J. Last evaluated: 2018-01-03. Review status: criteria provided, single submitter. Criteria: Invitae Variant Classification Sherloc (09022015). Collection method: clinical testing. Allele origin: germline.

Eurofins Ntd Llc (ga)
Classification: Uncertain significance. Last evaluated: 2017-01-19. Review status: criteria provided, single submitter. Criteria: EGL Classification Definitions 2015. Collection method: clinical testing. Allele origin: germline. Observed: 2 variant alleles, 2 heterozygotes.

Clinical Genetics DNA and cytogenetics Diagnostics Lab, Erasmus MC, Erasmus Medical Center
Classification: Uncertain significance. Review status: no assertion criteria provided. Collection method: clinical testing. Allele origin: germline. Affected: yes. Study: VKGL Data-share Consensus. Not counted in ClinVar's aggregate classification.

Joint Genome Diagnostic Labs from Nijmegen and Maastricht, Radboudumc and MUMC+
Classification: Uncertain significance. Review status: no assertion criteria provided. Collection method: clinical testing. Allele origin: germline. Affected: yes. Study: VKGL Data-share Consensus. Not counted in ClinVar's aggregate classification.

Literature cited by the submitters: PubMed 26516846 (cited by Women's Health and Genetics/Laboratory Corporation of America, LabCorp); PubMed 40475167 (cited by Women's Health and Genetics/Laboratory Corporation of America, LabCorp).

NM_001267550.2(TTN):c.81157T>A (p.Tyr27053Asn)

Genes: TTN (titin; minus strand), TTN-AS1 (TTN antisense RNA 1; plus strand). Cytogenetic location: 2q31.2.
Variant type: single nucleotide variant.
Coding change: c.81157T>A on transcript NM_001267550.2 (MANE Select); coding-DNA position 81157, T replaced by A.
Protein change: p.Tyr27053Asn; replaces tyrosine 27053 with asparagine.
Molecular consequence: missense variant.
Genome position (GRCh38, 1-based): chr2:178,564,975, A>T on the plus strand (T>A on the coding strand, the complement: TTN is on the minus strand). VCF-style: chr2-178564975-A-T. GRCh37 (hg19) VCF-style: chr2-179429702-A-T.
Other names: c.76234T>A, p.Tyr25412Asn (NM_001256850.1); c.53962T>A, p.Tyr17988Asn (NM_003319.4); c.73453T>A, p.Tyr24485Asn (NM_133378.4); c.54337T>A, p.Tyr18113Asn (NM_133432.3); c.54538T>A, p.Tyr18180Asn (NM_133437.4); short protein forms Y27053N, Y24485N, Y18113N, Y17988N, Y18180N, Y25412N.
Identifiers: ClinVar variation 404998 (VCV000404998.17), dbSNP rs776943572, ClinGen allele CA1989244.